The following is an entry in ClinVar:

NM_139276.3(STAT3):c.475G>A (p.Glu159Lys)

Gene: STAT3 (signal transducer and activator of transcription 3; minus strand). Cytogenetic location: 17q21.2.
Variant type: single nucleotide variant.
Coding change: c.475G>A on transcript NM_139276.3 (MANE Select); coding-DNA position 475, G replaced by A.
Protein change: p.Glu159Lys; replaces glutamic acid 159 with lysine.
Molecular consequence: missense variant.
Genome position (GRCh38, 1-based): chr17:42,338,806, C>T on the plus strand (G>A on the coding strand, the complement: STAT3 is on the minus strand). VCF-style: chr17-42338806-C-T. GRCh37 (hg19) VCF-style: chr17-40490824-C-T.
Other names: c.475G>A, p.Glu159Lys (NM_001369513.1, NM_001369514.1, NM_001369516.1 and 15 more transcripts); c.397G>A, p.Glu133Lys (NM_001384985.1); c.379G>A, p.Glu127Lys (NM_001384989.1); short protein forms E159K, E127K, E133K.
Identifiers: ClinVar variation 432109 (VCV000432109.7), dbSNP rs1555568535, ClinGen allele CA399594876.

ClinVar aggregate classification (germline): Conflicting classifications of pathogenicity. Review status: criteria provided, conflicting classifications (1 of 4 stars). 2 submissions from 2 submitters: Likely pathogenic (1); Uncertain significance (1). Last evaluated 2022-06-22.

Conditions:
Hyper-IgE recurrent infection syndrome 1, autosomal dominant. Also called: STAT3 Hyper IgE Syndrome; HYPER-IgE SYNDROME 1, AUTOSOMAL DOMINANT, WITH RECURRENT INFECTIONS; Job's Syndrome; Hyper-IgE recurrent infection syndrome 1; JOB SYNDROME. Identifiers: Orphanet 2314, MedGen C2936739, MONDO:0007818, OMIM 147060.
STAT3 gain of function. Identifiers: MedGen C4288261.

Submissions (2):

Labcorp Genetics (formerly Invitae), Labcorp
Classification: Uncertain significance for STAT3 gain of function; Hyper-IgE recurrent infection syndrome 1, autosomal dominant. Last evaluated: 2022-06-22. Review status: criteria provided, single submitter. Criteria: Invitae Variant Classification Sherloc (09022015). Collection method: clinical testing. Allele origin: germline.
Comment: This sequence change replaces glutamic acid, which is acidic and polar, with lysine, which is basic and polar, at codon 159 of the STAT3 protein (p.Glu159Lys). In summary, the available evidence is currently insufficient to determine the role of this variant in disease. Therefore, it has been classified as a Variant of Uncertain Significance. Advanced modeling of protein sequence and biophysical properties (such as structural, functional, and spatial information, amino acid conservation, physicochemical variation, residue mobility, and thermodynamic stability) performed at Invitae indicates that this missense variant is not expected to disrupt STAT3 protein function. ClinVar contains an entry for this variant (Variation ID: 432109). This variant has not been reported in the literature in individuals affected with STAT3-related conditions. This variant is not present in population databases (gnomAD no frequency).

GeneDx
Classification: Likely pathogenic. Last evaluated: 2016-07-20. Review status: criteria provided, single submitter. Criteria: GeneDx Variant Classification (06012015). Collection method: clinical testing. Allele origin: germline. Affected: yes.
Comment: The E159K variant has not been published as a pathogenic variant, nor has it been reported as a benign variant to our knowledge. The E159K variant was not observed in approximately 6,500 individuals of European and African American ancestry in the NHLBI Exome Sequencing Project, indicating it is not a common benign variant in these populations. The E159K variant is a non-conservative amino acid substitution, which is likely to impact secondary protein structure as these residues differ in polarity, charge, size and/or other properties. This substitution occurs at a position that is conserved across species. However, in silico analysis is inconsistent in its predictions as to whether or not the variant is damaging to the protein structure/function. Therefore, this variant is likely pathogenic; however, the possibility that it is benign cannot be excluded.